The following is an entry in ClinVar:

NM_000057.4(BLM):c.2309T>A (p.Ile770Asn)

Gene: BLM (BLM RecQ like helicase; plus strand). Cytogenetic location: 15q26.1.
Variant type: single nucleotide variant.
Coding change: c.2309T>A on transcript NM_000057.4 (MANE Select); coding-DNA position 2309, T replaced by A.
Protein change: p.Ile770Asn; replaces isoleucine 770 with asparagine.
Molecular consequence: missense variant.
Genome position (GRCh38, 1-based): chr15:90,769,134, T>A. VCF-style: chr15-90769134-T-A. GRCh37 (hg19) VCF-style: chr15-91312364-T-A.
Other names: c.2309T>A, p.Ile770Asn (NM_001287246.2, NM_001287247.2); c.1184T>A, p.Ile395Asn (NM_001287248.2); short protein forms I395N, I770N.
Identifiers: ClinVar variation 4719955 (VCV004719955.1).

ClinVar aggregate classification (germline): Uncertain significance (1 of 4 stars; one submission).

Conditions:
Bloom syndrome (BLM). Also called: Bloom-Torre-Machacek syndrome. Identifiers: Orphanet 125, MedGen C0005859, MONDO:0008876, OMIM 210900.

Submission:

Labcorp Genetics (formerly Invitae), Labcorp
Classification: Uncertain significance for Bloom syndrome. Last evaluated: 2025-05-22. Review status: criteria provided, single submitter. Criteria: Invitae Variant Classification Sherloc (09022015). Collection method: clinical testing. Allele origin: germline.
Comment: This sequence change replaces isoleucine, which is neutral and non-polar, with asparagine, which is neutral and polar, at codon 770 of the BLM protein (p.Ile770Asn). This variant is not present in population databases (gnomAD no frequency). This variant has not been reported in the literature in individuals affected with BLM-related conditions. An algorithm developed to predict the effect of missense changes on protein structure and function (PolyPhen-2) suggests that this variant is likely to be disruptive. In summary, the available evidence is currently insufficient to determine the role of this variant in disease. Therefore, it has been classified as a Variant of Uncertain Significance.